The following is an entry in ClinVar:

ClinVar aggregate classification (germline): Uncertain significance. Review status: criteria provided, multiple submitters, no conflicts (2 of 4 stars). 2 submissions from 2 submitters: Uncertain significance (2). Last evaluated 2025-10-24.

Conditions:
Cardiovascular phenotype. Identifiers: MedGen CN230736.
Familial thoracic aortic aneurysm and aortic dissection (TAAD). Also called: Thoracic aortic aneurysms and dissections. Identifiers: Orphanet 91387, MedGen C4707243, MONDO:0019625.

Allele frequency attached by ClinVar (database versions not stated): gnomAD 0.00001; gnomAD exomes 0.00002 and 0.00004; ExAC 0.00005.
gnomAD v4.1: 34 of 1,613,672 alleles (0.0021%); highest among the groups gnomAD compares: South Asian, 0.019%; no homozygotes.

Submissions (2):

Ambry Genetics
Classification: Uncertain significance for Cardiovascular phenotype. Last evaluated: 2025-10-24. Review status: criteria provided, single submitter. Criteria: Ambry Variant Classification Scheme 2023. Collection method: clinical testing. Allele origin: germline.

Labcorp Genetics (formerly Invitae), Labcorp
Classification: Uncertain significance for Familial thoracic aortic aneurysm and aortic dissection. Last evaluated: 2025-06-15. Review status: criteria provided, single submitter. Criteria: Invitae Variant Classification Sherloc (09022015). Collection method: clinical testing. Allele origin: germline.
Comment: This sequence change replaces isoleucine, which is neutral and non-polar, with valine, which is neutral and non-polar, at codon 330 of the MAT2A protein (p.Ile330Val). This variant is present in population databases (rs753175779, gnomAD 0.03%). This variant has not been reported in the literature in individuals affected with MAT2A-related conditions. ClinVar contains an entry for this variant (Variation ID: 861510). Invitae Evidence Modeling of protein sequence and biophysical properties (such as structural, functional, and spatial information, amino acid conservation, physicochemical variation, residue mobility, and thermodynamic stability) indicates that this missense variant is not expected to disrupt MAT2A protein function with a negative predictive value of 80%. In summary, the available evidence is currently insufficient to determine the role of this variant in disease. Therefore, it has been classified as a Variant of Uncertain Significance.

NM_005911.6(MAT2A):c.988A>G (p.Ile330Val)

Genes: GGCX (gamma-glutamyl carboxylase; minus strand), MAT2A (methionine adenosyltransferase 2A; plus strand). Cytogenetic location: 2p11.2.
Variant type: single nucleotide variant.
Coding change: c.988A>G on transcript NM_005911.6 (MANE Select); coding-DNA position 988, A replaced by G.
Protein change: p.Ile330Val; replaces isoleucine 330 with valine.
Molecular consequence: missense variant.
Genome position (GRCh38, 1-based): chr2:85,542,937, A>G. VCF-style: chr2-85542937-A-G. GRCh37 (hg19) VCF-style: chr2-85770060-A-G.
Other names: short protein forms I330V.
Identifiers: ClinVar variation 861510 (VCV000861510.12), dbSNP rs753175779, ClinGen allele CA1741542.